The following is an entry in ClinVar:

ClinVar aggregate classification (germline): Uncertain significance (1 of 4 stars; one submission).

Conditions:
Hereditary insensitivity to pain with anhidrosis (CIPA). Also called: FAMILIAL DYSAUTONOMIA, TYPE II; INSENSITIVITY TO PAIN, CONGENITAL, WITH ANHIDROSIS; HSAN Type IV; hereditary sensory and autonomic neuropathy type 4; NEUROPATHY, CONGENITAL SENSORY, WITH ANHIDROSIS; NTRK1 Congenital Insensitivity to Pain with Anhidrosis. Identifiers: Orphanet 642, MedGen C0020074, MONDO:0009746, OMIM 256800.

Allele frequency attached by ClinVar (database versions not stated): gnomAD exomes below 0.00001; gnomAD 0.00001; TOPMed 0.00001.
gnomAD v4.1: 4 of 1,595,888 alleles (0.00025%); highest among the groups gnomAD compares: Admixed American, 0.0017%; no homozygotes.

Submission:

Labcorp Genetics (formerly Invitae), Labcorp
Classification: Uncertain significance for Hereditary insensitivity to pain with anhidrosis. Last evaluated: 2022-04-08. Review status: criteria provided, single submitter. Criteria: Invitae Variant Classification Sherloc (09022015). Collection method: clinical testing. Allele origin: germline.
Comment: This sequence change replaces alanine, which is neutral and non-polar, with valine, which is neutral and non-polar, at codon 364 of the NTRK1 protein (p.Ala364Val). This variant is not present in population databases (gnomAD no frequency). This variant has not been reported in the literature in individuals affected with NTRK1-related conditions. Advanced modeling of protein sequence and biophysical properties (such as structural, functional, and spatial information, amino acid conservation, physicochemical variation, residue mobility, and thermodynamic stability) performed at Invitae indicates that this missense variant is not expected to disrupt NTRK1 protein function. In summary, the available evidence is currently insufficient to determine the role of this variant in disease. Therefore, it has been classified as a Variant of Uncertain Significance.

NM_002529.4(NTRK1):c.1091C>T (p.Ala364Val)

Gene: NTRK1 (neurotrophic receptor tyrosine kinase 1; plus strand). Cytogenetic location: 1q23.1.
Variant type: single nucleotide variant.
Coding change: c.1091C>T on transcript NM_002529.4 (MANE Select); coding-DNA position 1091, C replaced by T.
Protein change: p.Ala364Val; replaces alanine 364 with valine.
Molecular consequence: missense variant.
Genome position (GRCh38, 1-based): chr1:156,873,873, C>T. VCF-style: chr1-156873873-C-T. GRCh37 (hg19) VCF-style: chr1-156843665-C-T.
Other names: c.1091C>T, p.Ala364Val (NM_001007204.1, NM_001012331.2); c.1001C>T, p.Ala334Val (NM_001007792.1); short protein forms A334V, A364V.
Identifiers: ClinVar variation 2036427 (VCV002036427.1), dbSNP rs1647726185, ClinGen allele CA342936165.
Genomic context (GRCh38, chr1:156,873,873, plus strand): 5'-GGTGTCTGCGCCTCAACCAGCCCACCCACGTCAACAACGGCAACTACACGCTGCTGGCTG[C>T]CAACCCCTTCGGCCAGGCCTCCGCCTCCATCATGGCTGCCTTCATGGACAACCCTTTCGA-3'
Protein context (NP_002520.2, residues 354-374): VNNGNYTLLA[Ala364Val]NPFGQASASI